The following is an entry in ClinVar:

NM_000077.5(CDKN2A):c.6G>C (p.Glu2Asp)

Genes: CDKN2A (cyclin dependent kinase inhibitor 2A; minus strand), LOC130001603 (ATAC-STARR-seq lymphoblastoid silent region 19811; plus strand). Cytogenetic location: 9p21.3.
Variant type: single nucleotide variant.
Coding change: c.6G>C on transcript NM_000077.5; coding-DNA position 6, G replaced by C.
Protein change: p.Glu2Asp; replaces glutamic acid 2 with aspartic acid.
Molecular consequence: missense variant (on NM_000077.6). On other transcripts: intron variant (2).
Genome position (GRCh38, 1-based): chr9:21,974,822, C>G on the plus strand (G>C on the coding strand, the complement: CDKN2A is on the minus strand). VCF-style: chr9-21974822-C-G. GRCh37 (hg19) VCF-style: chr9-21974821-C-G.
Other names: c.6G>C, p.Glu2Asp (NM_000077.6, NM_001195132.2, NM_058197.5); c.-3-3614G>C (NM_001363763.2); c.194-3614G>C (NM_058195.4); short protein forms E2D.
Identifiers: ClinVar variation 1756617 (VCV001756617.6), dbSNP rs777092073, ClinGen allele CA373086735.

ClinVar aggregate classification (germline): Conflicting classifications of pathogenicity. Review status: criteria provided, conflicting classifications (1 of 4 stars). 2 submissions from 2 submitters: Uncertain significance (1); Likely benign (1). Last evaluated 2025-04-29.

Conditions:
Familial melanoma. Also called: Hereditary cutaneous melanoma; Hereditary melanoma. Identifiers: Orphanet 618, MedGen C1512419, MONDO:0018961.
Hereditary cancer-predisposing syndrome. Also called: Hereditary Cancer Syndrome; Hereditary neoplastic syndrome; Neoplastic Syndromes, Hereditary; Tumor predisposition. Identifiers: Orphanet 140162, MedGen C0027672, MeSH D009386, MONDO:0015356.

Submissions (2):

Labcorp Genetics (formerly Invitae), Labcorp
Classification: Uncertain significance for Familial melanoma. Last evaluated: 2025-04-29. Review status: criteria provided, single submitter. Criteria: Invitae Variant Classification Sherloc (09022015). Collection method: clinical testing. Allele origin: germline.
Comment: This sequence change replaces glutamic acid, which is acidic and polar, with aspartic acid, which is acidic and polar, at codon 2 of the CDKN2A (p16INK4a) protein (p.Glu2Asp). This variant is not present in population databases (gnomAD no frequency). This variant has not been reported in the literature in individuals affected with CDKN2A (p16INK4a)-related conditions. ClinVar contains an entry for this variant (Variation ID: 1756617). An algorithm developed to predict the effect of missense changes on protein structure and function (PolyPhen-2) suggests that this variant is likely to be tolerated. In summary, the available evidence is currently insufficient to determine the role of this variant in disease. Therefore, it has been classified as a Variant of Uncertain Significance.

Ambry Genetics
Classification: Likely benign for Hereditary cancer-predisposing syndrome. Last evaluated: 2025-04-14. Review status: criteria provided, single submitter. Criteria: Ambry Variant Classification Scheme 2023. Collection method: clinical testing. Allele origin: germline.